The following is an entry in ClinVar:

NM_004281.4(BAG3):c.410C>G (p.Pro137Arg)

Gene: BAG3 (BAG cochaperone 3; plus strand). Cytogenetic location: 10q26.11.
Variant type: single nucleotide variant.
Coding change: c.410C>G on transcript NM_004281.4 (MANE Select); coding-DNA position 410, C replaced by G.
Protein change: p.Pro137Arg; replaces proline 137 with arginine.
Molecular consequence: missense variant.
Genome position (GRCh38, 1-based): chr10:119,670,080, C>G. VCF-style: chr10-119670080-C-G. GRCh37 (hg19) VCF-style: chr10-121429592-C-G.
Other names: short protein forms P137R.
Identifiers: ClinVar variation 1950090 (VCV001950090.5), dbSNP rs781456794, ClinGen allele CA308222.

ClinVar aggregate classification (germline): Uncertain significance (1 of 4 stars; one submission).

Conditions:
Myofibrillar myopathy 6. Identifiers: Orphanet 199340, MedGen C2751831, MONDO:0013061, OMIM 612954.
Dilated cardiomyopathy 1HH (CMD1HH). Identifiers: Orphanet 154, MedGen C3151293, MONDO:0013479, OMIM 613881.

Allele frequency attached by ClinVar (database versions not stated): gnomAD exomes below 0.00001; ExAC 0.00001.
gnomAD v4.1: 2 of 1,614,168 alleles (0.00012%); highest among the groups gnomAD compares: Non-Finnish European, 0.00017%; no homozygotes.

Submission:

Labcorp Genetics (formerly Invitae), Labcorp
Classification: Uncertain significance for Dilated cardiomyopathy 1HH; Myofibrillar myopathy 6. Last evaluated: 2022-03-02. Review status: criteria provided, single submitter. Criteria: Invitae Variant Classification Sherloc (09022015). Collection method: clinical testing. Allele origin: germline.
Comment: In summary, the available evidence is currently insufficient to determine the role of this variant in disease. Therefore, it has been classified as a Variant of Uncertain Significance. Algorithms developed to predict the effect of missense changes on protein structure and function (SIFT, PolyPhen-2, Align-GVGD) all suggest that this variant is likely to be disruptive. This variant has not been reported in the literature in individuals affected with BAG3-related conditions. This variant is present in population databases (rs781456794, gnomAD 0.0009%). This sequence change replaces proline, which is neutral and non-polar, with arginine, which is basic and polar, at codon 137 of the BAG3 protein (p.Pro137Arg).